The following is an entry in ClinVar:

NM_014811.5(PPP1R26):c.1392G>A (p.Arg464=)

Gene: PPP1R26 (protein phosphatase 1 regulatory subunit 26; plus strand). Cytogenetic location: 9q34.3.
Variant type: single nucleotide variant.
Coding change: c.1392G>A on transcript NM_014811.5 (MANE Select); coding-DNA position 1392, G replaced by A.
Protein change: p.Arg464=; no amino-acid change (arginine 464 retained).
Molecular consequence: synonymous variant.
Genome position (GRCh38, 1-based): chr9:135,485,902, G>A. VCF-style: chr9-135485902-G-A. GRCh37 (hg19) VCF-style: chr9-138377748-G-A.
Identifiers: ClinVar variation 2659708 (VCV002659708.24), dbSNP rs1371417596, ClinGen allele CA467817836.

ClinVar aggregate classification (germline): Likely benign (1 of 4 stars; one submission).

Allele frequency attached by ClinVar (database versions not stated): gnomAD exomes below 0.00001; TOPMed below 0.00001.

Submission:

CeGaT Center for Human Genetics Tuebingen
Classification: Likely benign. Last evaluated: 2023-01-01. Review status: criteria provided, single submitter. Criteria: CeGaT Center For Human Genetics Tuebingen Variant Classification Criteria Version 2. Collection method: clinical testing. Allele origin: germline. Affected: yes. Observed: 1 variant allele.
Comment: PPP1R26: BP4, BP7